The following is an entry in ClinVar:

NM_001458.5(FLNC):c.5733dup (p.Gly1912fs)

Genes: FLNC (filamin C; plus strand), FLNC-AS1 (FLNC antisense RNA 1; minus strand). Cytogenetic location: 7q32.1.
Variant type: Duplication.
Coding change: c.5733dup on transcript NM_001458.5 (MANE Select); coding-DNA position 5733, one base duplicated (T; older notation c.5733dupT).
Protein change: p.Gly1912fs; shifts the reading frame from glycine 1912.
Molecular consequence: frameshift variant.
Genome position (GRCh38, 1-based): chr7:128,851,519, T duplicated. VCF-style (leftmost placement, unchanged base first): chr7-128851518-A-AT. GRCh37 (hg19) VCF-style: chr7-128491572-A-AT.
Other names: c.5634dup, p.Gly1879fs (NM_001127487.2); short protein forms G1879fs, G1912fs.
Identifiers: ClinVar variation 1071491 (VCV001071491.7), dbSNP rs2128938455, ClinGen allele CA2499218749.

ClinVar aggregate classification (germline): Pathogenic (1 of 4 stars; one submission).

Conditions:
Myofibrillar myopathy 5. Also called: FILAMINOPATHY, AUTOSOMAL DOMINANT; Filaminopathy (type). Identifiers: Orphanet 171445, MedGen C1836050, MONDO:0012289, OMIM 609524.
Distal myopathy with posterior leg and anterior hand involvement. Also called: WILLIAMS DISTAL MYOPATHY. Identifiers: Orphanet 63273, MedGen C3279722, MONDO:0013550, OMIM 614065.
Hypertrophic cardiomyopathy 26. Also called: Cardiomyopathy, familial hypertrophic, 26. Identifiers: Orphanet 75249, MedGen C4310749, MONDO:0014883, OMIM 617047.

Submission:

Labcorp Genetics (formerly Invitae), Labcorp
Classification: Pathogenic for Distal myopathy with posterior leg and anterior hand involvement; Myofibrillar myopathy 5; Hypertrophic cardiomyopathy 26. Last evaluated: 2021-02-06. Review status: criteria provided, single submitter. Criteria: Invitae Variant Classification Sherloc (09022015). Collection method: clinical testing. Allele origin: germline.
Comment: This sequence change creates a premature translational stop signal (p.Gly1912Trpfs*23) in the FLNC gene. It is expected to result in an absent or disrupted protein product. Loss-of-function variants in FLNC are known to be pathogenic (PMID: 27908349). For these reasons, this variant has been classified as Pathogenic. This variant has not been reported in the literature in individuals with FLNC-related conditions. This variant is not present in population databases (ExAC no frequency).

Literature cited by the submitters: PubMed 27908349.